The following is an entry in ClinVar:

ClinVar aggregate classification (germline): Pathogenic. Review status: criteria provided, multiple submitters, no conflicts (2 of 4 stars). 7 submissions from 7 submitters: Pathogenic (7). Last evaluated 2025-12-18.

Conditions:
PMM2-congenital disorder of glycosylation. Also called: Congenital disorder of glycosylation, type Ia; PMM2-CDG; CARBOHYDRATE-DEFICIENT GLYCOPROTEIN SYNDROME, TYPE Ia; CDG Ia; JAEKEN SYNDROME; PHOSPHOMANNOMUTASE 2 DEFICIENCY. Identifiers: Orphanet 79318, MedGen C0349653, MONDO:0008907, OMIM 212065.

Allele frequency attached by ClinVar (database versions not stated): gnomAD exomes 0.00003 and 0.00004; TOPMed 0.00002; ExAC 0.00004; 1000 Genomes Project 0.00020; gnomAD 0.00002 and 0.00003; 1000 Genomes Project 30x 0.00016.
gnomAD v4.1: 58 of 1,570,296 alleles (0.0037%); highest among the groups gnomAD compares: Admixed American, 0.011%; no homozygotes.

Submissions (7):

Labcorp Genetics (formerly Invitae), Labcorp
Classification: Pathogenic for PMM2-congenital disorder of glycosylation. Last evaluated: 2025-12-18. Review status: criteria provided, single submitter. Criteria: Invitae Variant Classification Sherloc (09022015). Collection method: clinical testing. Allele origin: germline.
Comment: This sequence change creates a premature translational stop signal (p.Arg123*) in the PMM2 gene. It is expected to result in an absent or disrupted protein product. Loss-of-function variants in PMM2 are known to be pathogenic (PMID: 19862844). The frequency data for this variant in the population databases is considered unreliable, as metrics indicate poor data quality at this position in the gnomAD database. This premature translational stop signal has been observed in individual(s) with clinical features of PMM2-congenital disorder of glycosylation (PMID: 11058895, 17166182, 23430927, 28139241). ClinVar contains an entry for this variant (Variation ID: 429981). For these reasons, this variant has been classified as Pathogenic.

Natera, Inc.
Classification: Pathogenic for Congenital disorder of glycosylation type 1a. Last evaluated: 2025-12-10. Review status: criteria provided, single submitter. Criteria: Natera Variant Classification Schema (03/2026). Collection method: clinical testing. Allele origin: germline.
Comment: The c.367C>T variant in PMM2 is a nonsense variant predicted to introduce a stop codon at amino acid 123. This variant is expected to result in nonsense mediated decay, truncation, or a dysfunctional protein product. This variant is rare in the general population with a frequency below the threshold expected for the associated phenotype(s). This variant has been observed in one or more individuals affected with the associated recessive disease, as either homozygous or compound heterozygous with a second variant (PMID: 17166182, 12705494). Given the available evidence, this variant is classified as Pathogenic.

Fulgent Genetics
Classification: Pathogenic for PMM2-congenital disorder of glycosylation. Last evaluated: 2024-05-30. Review status: criteria provided, single submitter. Criteria: ACMG Guidelines, 2015. Collection method: clinical testing. Allele origin: germline.

ARUP Laboratories, Molecular Genetics and Genomics, ARUP Laboratories
Classification: Pathogenic for PMM2-congenital disorder of glycosylation. Last evaluated: 2024-05-07. Review status: criteria provided, single submitter. Criteria: ARUP Molecular Germline Variant Investigation Process 2024. Collection method: clinical testing. Allele origin: germline.
Comment: The PMM2 c.367C>T; p.Arg123Ter variant (rs191295403, ClinVar variation ID: 429981) is reported in the literature in individuals affected with PMM2 related congenital disorder of glycosylation (PMM2-CDG; Briones 2002, Molina-Ramirez 2022, Perez-Cerda 2017, Serrano 2017, Vuillaumier-Barrot 2012,). This variant is absent from the Genome Aggregation Database (v2.1.1), indicating it is not a common polymorphism. This variant induces an early termination codon and is predicted to result in a truncated protein or mRNA subject to nonsense-mediated decay. Based on available information, this variant is considered to be pathogenic. References: Briones P et al. Biochemical and molecular studies in 26 Spanish patients with congenital disorder of glycosylation type Ia. J Inherit Metab Dis. 2002 Dec;25(8):635-46. PMID: 12705494. Molina-Ramirez LP et al. Personalised virtual gene panels reduce interpretation workload and maintain diagnostic rates of proband-only clinical exome sequencing for rare disorders. J Med Genet. 2022 Apr;59(4):393-398. PMID: 33879512. Perez-Cerda C et al. A Population-Based Study on Congenital Disorders of Protein N- and Combined with O-Glycosylation Experience in Clinical and Genetic Diagnosis. J Pediatr. 2017 Apr;183:170-177.e1. PMID: 28139241. Serrano NL et al. A quantitative assessment of the evolution of cerebellar syndrome in children with phosphomannomutase-deficiency (PMM2-CDG). Orphanet J Rare Dis. 2017 Sep 15;12(1):155. PMID: 28915903. Vuillaumier-Barrot S et al. Expanding the Spectrum of PMM2-CDG Phenotype. JIMD Rep. 2012;5:123-5. PMID: 23430927.

GeneDx
Classification: Pathogenic. Last evaluated: 2023-02-08. Review status: criteria provided, single submitter. Criteria: GeneDx Variant Classification Process June 2021. Collection method: clinical testing. Allele origin: germline. Affected: yes.
Comment: Nonsense variant predicted to result in protein truncation or nonsense mediated decay in a gene for which loss-of-function is a known mechanism of disease; Not observed at a significant frequency in large population cohorts (gnomAD); This variant is associated with the following publications: (PMID: 12357336, 30304743, 28139241, 26502900, 17166182, 11058895, 23430838, 23430927, 28915903, 33879512, 12705494)

Women's Health and Genetics/Laboratory Corporation of America, LabCorp
Classification: Pathogenic for Congenital disorder of glycosylation, type Ia. Last evaluated: 2020-02-03. Review status: criteria provided, single submitter. Criteria: LabCorp Variant Classification Summary - May 2015. Collection method: clinical testing. Allele origin: germline.
Comment: Variant summary: PMM2 c.367C>T (p.Arg123X) results in a premature termination codon, predicted to cause a truncation of the encoded protein or absence of the protein due to nonsense mediated decay, which are commonly known mechanisms for disease. Truncations downstream of this position have been classified as pathogenic by our laboratory. The variant allele was found at a frequency of 3.1e-05 in 191838 control chromosomes. c.367C>T has been reported in the literature in individuals affected with Congenital Disorder of Glycosylation Type 1a and has subsequently been cited by other reports (example, Briones_2002, Serrano_2017, Quelhas_2007, Perez_2011). These data indicate that the variant is associated with disease. To our knowledge, no experimental evidence demonstrating an impact on protein function has been reported. One clinical diagnostic laboratory has submitted clinical-significance assessments for this variant to ClinVar after 2014 without evidence for independent evaluation and classified the variant as pathogenic. Based on the evidence outlined above, the variant was classified as pathogenic.

Kariminejad - Najmabadi Pathology & Genetics Center
Classification: Pathogenic for PMM2-congenital disorder of glycosylation. Review status: criteria provided, single submitter. Criteria: ACMG Guidelines, 2015. Collection method: clinical testing. Allele origin: germline. Affected: no.

Literature cited by the submitters: PubMed 19862844 (cited by Labcorp Genetics (formerly Invitae), Labcorp); PubMed 11058895 (cited by Labcorp Genetics (formerly Invitae), Labcorp); PubMed 17166182 (cited by 3 submitters); PubMed 23430927 (cited by Labcorp Genetics (formerly Invitae), Labcorp); PubMed 28139241 (cited by Labcorp Genetics (formerly Invitae), Labcorp); PubMed 12705494 (cited by Natera, Inc. and Women's Health and Genetics/Laboratory Corporation of America, LabCorp); PubMed 23430838 (cited by Women's Health and Genetics/Laboratory Corporation of America, LabCorp); PubMed 28915903 (cited by Women's Health and Genetics/Laboratory Corporation of America, LabCorp).

NM_000303.3(PMM2):c.367C>T (p.Arg123Ter)

Gene: PMM2 (phosphomannomutase 2; plus strand). Cytogenetic location: 16p13.2.
Variant type: single nucleotide variant.
Coding change: c.367C>T on transcript NM_000303.3 (MANE Select); coding-DNA position 367, C replaced by T.
Protein change: p.Arg123Ter; replaces arginine 123 with a stop codon.
Molecular consequence: nonsense.
Genome position (GRCh38, 1-based): chr16:8,811,098, C>T. VCF-style: chr16-8811098-C-T. GRCh37 (hg19) VCF-style: chr16-8904955-C-T.
Other names: short protein forms R123*.
Identifiers: ClinVar variation 429981 (VCV000429981.22), dbSNP rs191295403, ClinGen allele CA7894039.
Genomic context (GRCh38, chr16:8,811,098, plus strand): 5'-AACGTGTTTTTGGAGAAACTCTGTCACCCTTTCATTCCCAGGGGTACTTTCATTGAATTC[C>T]GAAATGGGATGTTAAACGTGTCCCCTATTGGAAGAAGCTGCAGCCAAGAAGAACGCATTG-3'